The following is an entry in ClinVar:

NM_000535.7(PMS2):c.1490G>A (p.Gly497Asp)

Gene: PMS2 (PMS1 homolog 2, mismatch repair system component; minus strand). Cytogenetic location: 7p22.1.
Variant type: single nucleotide variant.
Coding change: c.1490G>A on transcript NM_000535.7 (MANE Select); coding-DNA position 1490, G replaced by A.
Protein change: p.Gly497Asp; replaces glycine 497 with aspartic acid.
Molecular consequence: missense variant. On other transcripts: non-coding transcript variant (1).
Genome position (GRCh38, 1-based): chr7:5,987,275, C>T on the plus strand (G>A on the coding strand, the complement: PMS2 is on the minus strand). VCF-style: chr7-5987275-C-T. GRCh37 (hg19) VCF-style: chr7-6026906-C-T.
Other names: c.1085G>A, p.Gly362Asp (NM_001322003.2, NM_001322004.2, NM_001322005.2 and 1 more transcripts); c.1334G>A, p.Gly445Asp (NM_001322006.2); c.1172G>A, p.Gly391Asp (NM_001322007.2, NM_001322008.2); c.929G>A, p.Gly310Asp (NM_001322010.2); c.557G>A, p.Gly186Asp (NM_001322011.2, NM_001322012.2); c.917G>A, p.Gly306Asp (NM_001322013.2); c.1490G>A, p.Gly497Asp (NM_001322014.2); c.1181G>A, p.Gly394Asp (NM_001322015.2); short protein forms G497D, G186D, G394D, G445D, G306D, G362D, G310D, G391D.
Identifiers: ClinVar variation 127761 (VCV000127761.75), dbSNP rs199739859, ClinGen allele CA009765.

ClinVar aggregate classification (germline): Conflicting classifications of pathogenicity. Review status: criteria provided, conflicting classifications (1 of 4 stars). 22 submissions from 22 submitters: Uncertain significance (13); Benign (1); Likely benign (5). 3 of the submissions do not count toward it. Last evaluated 2026-01-28.

Conditions:
Hereditary nonpolyposis colorectal neoplasms. Identifiers: MedGen C0009405, MeSH D003123.
Hereditary cancer-predisposing syndrome. Also called: Tumor predisposition; Hereditary neoplastic syndrome; Neoplastic Syndromes, Hereditary; Hereditary Cancer Syndrome. Identifiers: Orphanet 140162, MedGen C0027672, MeSH D009386, MONDO:0015356.
Lynch syndrome 4 (LYNCH4). Also called: Colorectal cancer, hereditary nonpolyposis, type 4; Hereditary non-polyposis colorectal cancer, type 4. Identifiers: Orphanet 144, MedGen C1838333, MONDO:0013699, OMIM 614337. Disease mechanism: loss of function.
Malignant tumor of breast. Also called: Malignant breast neoplasm; Cancer breast. Identifiers: MedGen C0006142, MONDO:0007254. Disease mechanism: loss of function.

Allele frequency attached by ClinVar (database versions not stated): TOPMed 0.00006; gnomAD 0.00007 and 0.00008; gnomAD exomes 0.00009 and 0.00012; ExAC 0.00011.
gnomAD v4.1: 150 of 1,613,992 alleles (0.0093%); highest among the groups gnomAD compares: Non-Finnish European, 0.011%; no homozygotes.

Submissions 1 to 14 of 22:

Labcorp Genetics (formerly Invitae), Labcorp
Classification: Benign for Hereditary nonpolyposis colorectal neoplasms. Last evaluated: 2026-01-28. Review status: criteria provided, single submitter. Criteria: Invitae Variant Classification Sherloc (09022015). Collection method: clinical testing. Allele origin: germline.

Center for Genomic Medicine, Rigshospitalet, Copenhagen University Hospital
Classification: Uncertain significance. Last evaluated: 2025-12-29. Review status: criteria provided, single submitter. Criteria: ACMG Guidelines, 2015. Collection method: clinical testing. Allele origin: germline.
Comment: Classification criteria: BP4

Myriad Genetics, Inc.
Classification: Likely benign for Lynch syndrome 4. Last evaluated: 2025-07-23. Review status: criteria provided, single submitter. Criteria: Myriad Autosomal Dominant, Autosomal Recessive and X-Linked Classification Criteria (2023). Collection method: clinical testing. Allele origin: unknown.
Comment: This variant is considered likely benign. Homozygosity for this variant has been confirmed in one or more individuals lacking clinical features consistent with gene-specific recessive disease, indicating that this variant is unlikely to be pathogenic.

GeneDx
Classification: Uncertain significance. Last evaluated: 2025-07-06. Review status: criteria provided, single submitter. Criteria: GeneDx Variant Classification Process June 2021. Collection method: clinical testing. Allele origin: germline. Affected: yes.
Comment: Observed in individuals with a personal or family history including colorectal, endometrial, ovarian, and/or breast cancer, but also seen in unaffected controls (PMID: 25559809, 25186627, 27443514, 28135145, 30651582, 30426508, 32809219, 31992580, 34250417, 34326862, 33471991); In silico analysis suggests that this missense variant does not alter protein structure/function; This variant is associated with the following publications: (PMID: 28135145, 30502717, 31433215, 25559809, 24728327, 26689913, 27443514, 25186627, 22608206, 30651582, 31159747, 31391288, 31992580, 30426508, 32809219, 34250417, 29945567, 34284872, 33471991, 34326862)

Quest Diagnostics Nichols Institute San Juan Capistrano
Classification: Uncertain significance. Last evaluated: 2025-07-03. Review status: criteria provided, single submitter. Criteria: Quest Diagnostics criteria. Collection method: clinical testing. Allele origin: unknown.
Comment: The PMS2 c.1490G>A (p.Gly497Asp) variant has been reported in individuals with a variety of cancers including breast/ovarian (PMIDs: 34326862 (2021), 33471991 (2021), 32809219 (2020), 31159747 (2019), 30651582 (2019), 30426508 (2018), 25186627 (2015), see also LOVD), endometrial (PMIDs: 31992580 (2020), 27443514 (2016)), pancreatic (PMID: 29945567 (2018)), and colorectal (PMIDs: 34250417 (2021), 28135145 (2017), 25559809 (2015)). It has also been reported in reportedly unaffected individuals (PMID: 24728327 (2014), 33471991 (2021), see also LOVD). The frequency of this variant in the general population (Genome Aggregation Database) is uninformative in the assessment of its pathogenicity. Analysis of this variant using bioinformatics tools for the prediction of the effect of amino acid changes on protein structure and function yielded predictions that this variant is benign. Based on the available information, we are unable to determine the clinical significance of this variant.

Blueprint Genetics
Classification: Likely benign. Last evaluated: 2024-11-26. Review status: criteria provided, single submitter. Criteria: ACMG Guidelines, 2015. Collection method: clinical testing. Allele origin: germline.

Women's Health and Genetics/Laboratory Corporation of America, LabCorp
Classification: Likely benign. Last evaluated: 2024-11-25. Review status: criteria provided, single submitter. Criteria: LabCorp Variant Classification Summary - May 2015. Collection method: clinical testing. Allele origin: germline.
Comment: Variant summary: PMS2 c.1490G>A (p.Gly497Asp) results in a non-conservative amino acid change in the encoded protein sequence. Four of five in-silico tools predict a benign effect of the variant on protein function. The variant allele was found at a frequency of 0.00012 in 251416 control chromosomes, predominantly at a frequency of 0.00021 within the Non-Finnish European subpopulation in the gnomAD database. The observed variant frequency within Non-Finnish European control individuals in the gnomAD database is approximately 3 fold of the estimated maximal expected allele frequency for a pathogenic variant in PMS2 causing Hereditary Nonpolyposis Colorectal Cancer phenotype (7.1e-05). c.1490G>A has been reported in the literature in individuals affected with various types of cancers including but not limited to rectal cancer, colorectal cancer, epithelial ovarian cancer, pancreatic cancer and breast and/or ovarian cancer (e.g. Chubb_2015, Ring_2016, Krivokuca_2019, Young_2018). These reports do not provide unequivocal conclusions about association of the variant with Hereditary Nonpolyposis Colorectal Cancer. To our knowledge, no experimental evidence demonstrating an impact on protein function has been reported. The following publications have been ascertained in the context of this evaluation (PMID: 25559809, 26689913, 27443514, 28135145, 29945567, 30651582, 30426508, 31159747, 31992580, 32809219, 34250417, 34326862). ClinVar contains an entry for this variant (Variation ID: 127761). Based on the evidence outlined above, the variant was classified as likely benign.

Color Diagnostics, LLC DBA Color Health
Classification: Likely benign for Hereditary cancer-predisposing syndrome. Last evaluated: 2024-10-16. Review status: criteria provided, single submitter. Criteria: ACMG Guidelines, 2015. Collection method: clinical testing. Allele origin: germline.

CeGaT Center for Human Genetics Tuebingen
Classification: Uncertain significance. Last evaluated: 2024-09-01. Review status: criteria provided, single submitter. Criteria: CeGaT Center For Human Genetics Tuebingen Variant Classification Criteria Version 2. Collection method: clinical testing. Allele origin: germline. Affected: yes. Observed: 1 variant allele.

Molecular Pathology, Peter Maccallum Cancer Centre
Classification: Uncertain significance for Lynch syndrome 4. Last evaluated: 2024-08-05. Review status: criteria provided, single submitter. Criteria: ACMG Guidelines, 2015. Collection method: clinical testing. Allele origin: germline. Inheritance: Autosomal dominant inheritance.

Institute for Biomarker Research, Medical Diagnostic Laboratories, L.L.C.
Classification: Uncertain significance for Hereditary cancer-predisposing syndrome. Last evaluated: 2023-08-01. Review status: criteria provided, single submitter. Criteria: ACMG Guidelines, 2015. Collection method: clinical testing. Allele origin: germline.

MGZ Medical Genetics Center
Classification: Uncertain significance for Lynch syndrome 4. Last evaluated: 2022-05-09. Review status: criteria provided, single submitter. Criteria: ACMG Guidelines, 2015. Collection method: clinical testing. Allele origin: germline. Affected: yes. Observed: 2 variant alleles.
Comment: ACMG criteria applied: BP4

Sema4
Classification: Uncertain significance for Hereditary cancer-predisposing syndrome. Last evaluated: 2021-11-30. Review status: criteria provided, single submitter. Criteria: Sema4 Curation Guidelines. Collection method: curation. Allele origin: germline.
Comment: The PMS2 c.1490G>A (p.G497D) variant has been reported in heterozygosity in multiple individuals with Lynch-syndrome associated cancers, and has been classified as a variant of uncertain significance by the authors (PMID: 28135145, 30651582, 31992580, 31433215, 27443514, 25559809, 31391288). An endometrial tumor found in one patient exhibited loss of MLH1 and PMS2 protein expression (PMID: 31992580). This variant was observed in 27/129168 chromosomes in the Non-Finnish European population, with no homozygotes, according to the Genome Aggregation Database (PMID: 32461654). The variant has been reported in ClinVar (Variation ID: 127761). Functional studies have not been performed, and in silico predictions of the variant's effect on protein function are inconclusive. The evidence is insufficient to meet ACMG/AMP criteria for classifying the variant as benign or pathogenic. Thus, the clinical significance of this variant is currently uncertain.

Institute for Clinical Genetics, University Hospital TU Dresden, University Hospital TU Dresden
Classification: Uncertain significance. Last evaluated: 2021-11-03. Review status: criteria provided, single submitter. Criteria: ACMG Guidelines, 2015. Collection method: clinical testing. Allele origin: germline.